The following is an entry in ClinVar:

NM_130837.3(OPA1):c.2521-8T>G

Gene: OPA1 (OPA1 mitochondrial dynamin like GTPase; plus strand). Cytogenetic location: 3q29.
Variant type: single nucleotide variant.
Coding change: c.2521-8T>G on transcript NM_130837.3 (MANE Select); 8 bases into the intron before coding-DNA position 2521, T replaced by G.
Molecular consequence: intron variant.
Genome position (GRCh38, 1-based): chr3:193,662,814, T>G. VCF-style: chr3-193662814-T-G. GRCh37 (hg19) VCF-style: chr3-193380603-T-G.
Other names: c.1984-8T>G (NM_001354664.2); c.1987-8T>G (NM_001354663.2); c.2410-8T>G (NM_130834.3); c.2467-8T>G (NM_130836.3); c.2356-8T>G (NM_015560.3); c.2413-8T>G (NM_130835.3); c.2302-8T>G (NM_130832.3); c.2359-8T>G (NM_130833.3); and 1 more.
Identifiers: ClinVar variation 425320 (VCV000425320.43), dbSNP rs1064797303, ClinGen allele CA16621813.

ClinVar aggregate classification (germline): Likely pathogenic. Review status: criteria provided, single submitter (1 of 4 stars). 2 submissions from 2 submitters: Likely pathogenic (1). 1 of the submissions does not count toward it. Last evaluated 2023-02-01.

Conditions:
Optic atrophy. Identifiers: MedGen C0029124, MONDO:0003608, HP:0000648.

Submissions (2):

CeGaT Center for Human Genetics Tuebingen
Classification: Likely pathogenic. Last evaluated: 2023-02-01. Review status: criteria provided, single submitter. Criteria: CeGaT Center For Human Genetics Tuebingen Variant Classification Criteria Version 2. Collection method: clinical testing. Allele origin: germline. Affected: yes. Observed: 4 variant alleles.
Comment: OPA1: PM2, PS3:Moderate, PP3, PP4

Institute of Human Genetics, Univ. Regensburg, Univ. Regensburg
Classification: Likely pathogenic for Optic atrophy. Last evaluated: 2022-01-01. Review status: no assertion criteria provided. Criteria: ACMG Guidelines, 2015. Collection method: clinical testing. Allele origin: germline. Affected: yes. Not counted in ClinVar's aggregate classification.